The following is an entry in ClinVar:

NM_001278116.2(L1CAM):c.1231G>A (p.Gly411Arg)

Gene: L1CAM (L1 cell adhesion molecule; minus strand). Cytogenetic location: Xq28.
Variant type: single nucleotide variant.
Coding change: c.1231G>A on transcript NM_001278116.2 (MANE Select); coding-DNA position 1231, G replaced by A.
Protein change: p.Gly411Arg; replaces glycine 411 with arginine.
Molecular consequence: missense variant.
Genome position (GRCh38, 1-based): chrX:153,869,556, C>T on the plus strand (G>A on the coding strand, the complement: L1CAM is on the minus strand). VCF-style: chrX-153869556-C-T. GRCh37 (hg19) VCF-style: chrX-153135011-C-T.
Other names: c.1231G>A, p.Gly411Arg (NM_000425.5, NM_024003.3); c.1216G>A, p.Gly406Arg (NM_001143963.2); short protein forms G406R, G411R.
Identifiers: ClinVar variation 3384744 (VCV003384744.1).
Genomic context (GRCh38, chrX:153,869,556, plus strand): 5'-AGGTAAGGAAGGGAGGGCACTCACGGACAACGTAGATGTAGGCATTGGCCAGCAAGAGCC[C>T]GTGCCGGTTGCGGGCCTCACATTGGGTCACCATTGTGTCACTGGGCTGCACGTTGCTCAG-3'
Protein context (NP_001265045.1, residues 401-421): VTQCEARNRH[Gly411Arg]LLLANAYIYV

ClinVar aggregate classification (germline): Uncertain significance (1 of 4 stars; one submission).

gnomAD v4.1: 2 of 1,211,087 alleles (0.00017%); highest among the groups gnomAD compares: Non-Finnish European, 0.00022%; no homozygotes.

Submission:

Women's Health and Genetics/Laboratory Corporation of America, LabCorp
Classification: Uncertain significance. Last evaluated: 2024-10-11. Review status: criteria provided, single submitter. Criteria: LabCorp Variant Classification Summary - May 2015. Collection method: clinical testing. Allele origin: germline.
Comment: Variant summary: L1CAM c.1231G>A (p.Gly411Arg) results in a non-conservative amino acid change located in an immunoglobulin-like repeat domain (IPR007110) in the encoded protein sequence. Four of five in-silico tools predict a damaging effect of the variant on protein function. The variant allele was found at a frequency of 1.7e-06 in 1206050 control chromosomes in the gnomAD database (v4.1 dataset), including 2 hemizygotes. The available data on variant occurrences in the general population are insufficient to allow any conclusion about variant significance. To our knowledge, no occurrence of c.1231G>A in individuals affected with L1 Syndrome and no experimental evidence demonstrating its impact on protein function have been reported. No submitters have cited clinical-significance assessments for this variant to ClinVar. Based on the evidence outlined above, the variant was classified as uncertain significance.